The following is an entry in ClinVar:

NM_024753.5(TTC21B):c.2014C>T (p.Arg672Trp)

Gene: TTC21B (tetratricopeptide repeat domain 21B; minus strand). Cytogenetic location: 2q24.3.
Variant type: single nucleotide variant.
Coding change: c.2014C>T on transcript NM_024753.5 (MANE Select); coding-DNA position 2014, C replaced by T.
Protein change: p.Arg672Trp; replaces arginine 672 with tryptophan.
Molecular consequence: missense variant.
Genome position (GRCh38, 1-based): chr2:165,915,325, G>A on the plus strand (C>T on the coding strand, the complement: TTC21B is on the minus strand). VCF-style: chr2-165915325-G-A. GRCh37 (hg19) VCF-style: chr2-166771835-G-A.
Other names: short protein forms R672W.
Identifiers: ClinVar variation 261770 (VCV000261770.15), dbSNP rs140757802, ClinGen allele CA1941956.
Genomic context (GRCh38, chr2:165,915,325, plus strand): 5'-CTCTGGCCTCTATAAAATAAGGCTGTTCGGCTGTAACATTCTGAAGGATGCTTAAAGCCC[G>A]TTCAATATCTCCTTGGGCTAGAGCAAGGTCTGCATTAGCAATGGTAACCCGCACTTCTTC-3'
Protein context (NP_079029.3, residues 662-682): DLALAQGDIE[Arg672Trp]ALSILQNVTA

ClinVar aggregate classification (germline): Conflicting classifications of pathogenicity. Review status: criteria provided, conflicting classifications (1 of 4 stars). 6 submissions from 6 submitters: Uncertain significance (1); Likely benign (2). 3 of the submissions do not count toward it. Last evaluated 2025-12-17.

Conditions:
TTC21B-related disorder. Also called: TTC21B-related disorders; TTC21B-related condition.
Jeune thoracic dystrophy. Also called: Jeune syndrome; Infantile thoracic dystrophy; Thoracic pelvic phalangeal dystrophy; Jeune's syndrome; Chondroectodermal dysplasia-like syndrome; Short-rib thoracic dysplasia. Identifiers: Orphanet 474, MedGen C0265275, MONDO:0018770.
Nephronophthisis. Also called: Juvenile Nephronophthisis. Identifiers: Orphanet 655, MedGen C0687120, MONDO:0019005, HP:0000090.

Allele frequency attached by ClinVar (database versions not stated): ExAC 0.00012; gnomAD exomes 0.00012; ESP Exome Variant Server 0.00038; gnomAD 0.00040 and 0.00041; TOPMed 0.00052.
gnomAD v4.1: 167 of 1,614,040 alleles (0.01%); highest among the groups gnomAD compares: African/African-American, 0.13%; no homozygotes.

Submissions (6):

Labcorp Genetics (formerly Invitae), Labcorp
Classification: Likely benign for Jeune thoracic dystrophy; Nephronophthisis. Last evaluated: 2025-12-17. Review status: criteria provided, single submitter. Criteria: Invitae Variant Classification Sherloc (09022015). Collection method: clinical testing. Allele origin: germline.

Blueprint Genetics
Classification: Likely benign. Last evaluated: 2024-10-23. Review status: criteria provided, single submitter. Criteria: ACMG Guidelines, 2015. Collection method: clinical testing. Allele origin: germline.

GeneDx
Classification: Uncertain significance. Last evaluated: 2023-08-04. Review status: criteria provided, single submitter. Criteria: GeneDx Variant Classification Process June 2021. Collection method: clinical testing. Allele origin: germline. Affected: yes.
Comment: Identified in individual with asphyxiating thoracic dystrophy; however, additional variants in other genes were also identified (Zhang et al., 2018); In silico analysis supports that this missense variant does not alter protein structure/function; This variant is associated with the following publications: (PMID: 29068549)

PreventionGenetics, part of Exact Sciences
Classification: Likely benign for TTC21B-related condition. Last evaluated: 2024-09-23. Review status: no assertion criteria provided. Collection method: clinical testing. Allele origin: germline. Not counted in ClinVar's aggregate classification.
Comment: This variant is classified as likely benign based on ACMG/AMP sequence variant interpretation guidelines (Richards et al. 2015 PMID: 25741868, with internal and published modifications).

Dan Cohn Lab, University Of California Los Angeles
Classification: Uncertain significance for Asphyxiating thoracic dystrophy. Last evaluated: 2017-06-01. Review status: no assertion criteria provided. Collection method: research. Allele origin: unknown. Affected: yes. Not counted in ClinVar's aggregate classification.

University of Washington Center for Mendelian Genomics, University of Washington
Classification: Likely pathogenic for asphyxiating thoracic dystrophy. Review status: no assertion criteria provided. Collection method: research. Allele origin: inherited. Affected: yes. Not counted in ClinVar's aggregate classification.

Literature cited by the submitters: PubMed 29068549 (cited by Dan Cohn Lab, University Of California Los Angeles and University of Washington Center for Mendelian Genomics, University of Washington).